The following is an entry in ClinVar:

NM_006005.3(WFS1):c.1205T>C (p.Leu402Pro)

Gene: WFS1 (wolframin ER transmembrane glycoprotein; plus strand). Cytogenetic location: 4p16.1.
Variant type: single nucleotide variant.
Coding change: c.1205T>C on transcript NM_006005.3 (MANE Select); coding-DNA position 1205, T replaced by C.
Protein change: p.Leu402Pro; replaces leucine 402 with proline.
Molecular consequence: missense variant.
Genome position (GRCh38, 1-based): chr4:6,301,000, T>C. VCF-style: chr4-6301000-T-C. GRCh37 (hg19) VCF-style: chr4-6302727-T-C.
Other names: c.1205T>C, p.Leu402Pro (NM_001145853.1); short protein forms L402P.
Identifiers: ClinVar variation 1518651 (VCV001518651.7), dbSNP rs754090711, ClinGen allele CA2839258.

ClinVar aggregate classification (germline): Likely pathogenic. Review status: criteria provided, multiple submitters, no conflicts (2 of 4 stars). 2 submissions from 2 submitters: Likely pathogenic (2). Last evaluated 2024-05-24.

Conditions:
WFS1-related disorder. Identifiers: MedGen CN379391, MONDO:0700293.

gnomAD v4.1: 3 of 1,614,022 alleles (0.00019%); highest among the groups gnomAD compares: African/African-American, 0.0013%; no homozygotes.

Submissions (2):

Blueprint Genetics
Classification: Likely pathogenic for WFS1-related disorders. Last evaluated: 2024-05-24. Review status: criteria provided, single submitter. Criteria: ACMG Guidelines, 2015. Collection method: clinical testing. Allele origin: germline. Affected: yes. Observed: 5 variant alleles.

Labcorp Genetics (formerly Invitae), Labcorp
Classification: Likely pathogenic. Last evaluated: 2023-07-03. Review status: criteria provided, single submitter. Criteria: Invitae Variant Classification Sherloc (09022015). Collection method: clinical testing. Allele origin: germline.
Comment: This sequence change replaces leucine, which is neutral and non-polar, with proline, which is neutral and non-polar, at codon 402 of the WFS1 protein (p.Leu402Pro). This variant is present in population databases (rs754090711, gnomAD 0.0009%). This missense change has been observed in individual(s) with autosomal recessive Wolfram syndrome and/or nonsyndromic optic atrophy (PMID: 21446023, 27395765, 33841295). ClinVar contains an entry for this variant (Variation ID: 1518651). Advanced modeling of protein sequence and biophysical properties (such as structural, functional, and spatial information, amino acid conservation, physicochemical variation, residue mobility, and thermodynamic stability) performed at Invitae indicates that this missense variant is expected to disrupt WFS1 protein function. In summary, the currently available evidence indicates that the variant is pathogenic, but additional data are needed to prove that conclusively. Therefore, this variant has been classified as Likely Pathogenic.

Literature cited by the submitters: PubMed 21446023 (cited by Labcorp Genetics (formerly Invitae), Labcorp); PubMed 27395765 (cited by Labcorp Genetics (formerly Invitae), Labcorp); PubMed 33841295 (cited by Labcorp Genetics (formerly Invitae), Labcorp).